The following is an entry in ClinVar:

NM_013450.4(BAZ2B):c.5292T>C (p.Asp1764=)

Gene: BAZ2B (bromodomain adjacent to zinc finger domain 2B; minus strand). Cytogenetic location: 2q24.2.
Variant type: single nucleotide variant.
Coding change: c.5292T>C on transcript NM_013450.4 (MANE Select); coding-DNA position 5292, T replaced by C.
Protein change: p.Asp1764=; no amino-acid change (aspartic acid 1764 retained).
Molecular consequence: synonymous variant.
Genome position (GRCh38, 1-based): chr2:159,348,679, A>G on the plus strand (T>C on the coding strand, the complement: BAZ2B is on the minus strand). VCF-style: chr2-159348679-A-G. GRCh37 (hg19) VCF-style: chr2-160205190-A-G.
Other names: c.5184T>C, p.Asp1728= (NM_001289975.1); c.5130T>C, p.Asp1710= (NM_001329857.2); c.5217T>C, p.Asp1739= (NM_001329858.2).
Identifiers: ClinVar variation 3350475 (VCV003350475.1).

ClinVar aggregate classification (germline): Likely benign (0 of 4 stars; one submission).

Conditions:
BAZ2B-related disorder. Also called: BAZ2B-related condition.

gnomAD v4.1: 46 of 1,595,158 alleles (0.0029%); highest among the groups gnomAD compares: African/African-American, 0.049%; no homozygotes.

Submission:

PreventionGenetics, part of Exact Sciences
Classification: Likely benign for BAZ2B-related condition. Last evaluated: 2019-06-06. Review status: no assertion criteria provided. Collection method: clinical testing. Allele origin: germline.
Comment: This variant is classified as likely benign based on ACMG/AMP sequence variant interpretation guidelines (Richards et al. 2015 PMID: 25741868, with internal and published modifications).